The following is an entry in ClinVar:

NM_006516.4(SLC2A1):c.1231A>C (p.Asn411His)

Gene: SLC2A1 (solute carrier family 2 member 1; minus strand). Cytogenetic location: 1p34.2.
Variant type: single nucleotide variant.
Coding change: c.1231A>C on transcript NM_006516.4 (MANE Select); coding-DNA position 1231, A replaced by C.
Protein change: p.Asn411His; replaces asparagine 411 with histidine.
Molecular consequence: missense variant.
Genome position (GRCh38, 1-based): chr1:42,927,652, T>G on the plus strand (A>C on the coding strand, the complement: SLC2A1 is on the minus strand). VCF-style: chr1-42927652-T-G. GRCh37 (hg19) VCF-style: chr1-43393323-T-G.
Other names: short protein forms N411H.
Identifiers: ClinVar variation 4291853 (VCV004291853.1).

ClinVar aggregate classification (germline): Uncertain significance (1 of 4 stars; one submission).

Conditions:
Encephalopathy due to GLUT1 deficiency. Also called: GLUT1 deficiency syndrome 1; GLUT1 deficiency syndrome 1, infantile onset, severe; GLUCOSE TRANSPORT DEFECT, BLOOD-BRAIN BARRIER; De Vivo disease; Classic Glucose Transporter Type 1 Deficiency Syndrome; Glucose transporter protein syndrome. Identifiers: Orphanet 71277, MedGen C4551966, MONDO:0011724, OMIM 606777.

Submission:

3billion
Classification: Uncertain significance for Encephalopathy due to GLUT1 deficiency. Last evaluated: 2024-08-12. Review status: criteria provided, single submitter. Criteria: ACMG Guidelines, 2015. Collection method: clinical testing. Allele origin: germline. Affected: yes.
Comment: The variant is not observed in the gnomAD v4.0.0 dataset. Predicted Consequence/Location: Missense variant In silico tool predictions suggest damaging effect of the variant on gene or gene product [REVEL: 0.83 (>=0.6, sensitivity 0.68 and specificity 0.92); 3Cnet: 0.99 (>=0.6, sensitivity 0.72 and precision 0.9)]. A different missense change at the same codon (p.Asn411Ser) has been reported to be associated with SLC2A1-related disorder (ClinVar ID: VCV000096709 /PMID: 23280796). However the evidence of pathogenicity is insufficient at this time. Therefore, this variant is classified as VUS according to the recommendation of ACMG/AMP guideline.

Literature cited by the submitters: PubMed 23280796.